The following is an entry in ClinVar:

NM_001071.4(TYMS):c.690C>T (p.Tyr230=)

Genes: ENOSF1 (enolase superfamily member 1; minus strand), TYMS (thymidylate synthetase; plus strand). Cytogenetic location: 18p11.32.
Variant type: single nucleotide variant.
Coding change: c.690C>T on transcript NM_001071.4 (MANE Select); coding-DNA position 690, C replaced by T.
Protein change: p.Tyr230=; no amino-acid change (tyrosine 230 retained).
Molecular consequence: synonymous variant. On other transcripts: 3 prime UTR variant (7), non-coding transcript variant (7).
Genome position (GRCh38, 1-based): chr18:670,825, C>T. VCF-style: chr18-670825-C-T. GRCh37 (hg19) VCF-style: chr18-670825-C-T.
Other names: c.*3480G>A (NM_001318760.2, NM_001354065.2, NM_001354066.2 and 4 more transcripts); c.588C>T, p.Tyr196= (NM_001354867.2); c.441C>T, p.Tyr147= (NM_001354868.2).
Identifiers: ClinVar variation 2648513 (VCV002648513.24), dbSNP rs202044096, ClinGen allele CA8867903.

ClinVar aggregate classification (germline): Likely benign (1 of 4 stars; one submission).

Allele frequency attached by ClinVar (database versions not stated): ExAC 0.00001; gnomAD exomes 0.00001; TOPMed 0.00001.

Submission:

CeGaT Center for Human Genetics Tuebingen
Classification: Likely benign. Last evaluated: 2023-02-01. Review status: criteria provided, single submitter. Criteria: CeGaT Center For Human Genetics Tuebingen Variant Classification Criteria Version 2. Collection method: clinical testing. Allele origin: germline. Affected: yes. Observed: 1 variant allele.
Comment: TYMS: BP4, BP7